The following is an entry in ClinVar:

ClinVar aggregate classification (germline): Uncertain significance (1 of 4 stars; one submission).

Submission:

GeneDx
Classification: Uncertain significance. Last evaluated: 2022-05-10. Review status: criteria provided, single submitter. Criteria: GeneDx Variant Classification Process June 2021. Collection method: clinical testing. Allele origin: germline. Affected: yes.
Comment: Not observed at significant frequency in large population cohorts (gnomAD); In silico analysis supports that this missense variant has a deleterious effect on protein structure/function; Has not been previously published as pathogenic or benign to our knowledge

NM_001378414.1(HDAC4):c.2869T>C (p.Cys957Arg)

Gene: HDAC4 (histone deacetylase 4; minus strand). Cytogenetic location: 2q37.3.
Variant type: single nucleotide variant.
Coding change: c.2869T>C on transcript NM_001378414.1 (MANE Select); coding-DNA position 2869, T replaced by C.
Protein change: p.Cys957Arg; replaces cysteine 957 with arginine.
Molecular consequence: missense variant.
Genome position (GRCh38, 1-based): chr2:239,068,489, A>G on the plus strand (T>C on the coding strand, the complement: HDAC4 is on the minus strand). VCF-style: chr2-239068489-A-G. GRCh37 (hg19) VCF-style: chr2-239990185-A-G.
Other names: c.2869T>C, p.Cys957Arg (NM_001378415.1); c.2854T>C, p.Cys952Arg (NM_001378416.1, NM_001378417.1, NM_006037.4); short protein forms C952R, C957R.
Identifiers: ClinVar variation 1723463 (VCV001723463.2), dbSNP rs2470266449, ClinGen allele CA351256654.
Genomic context (GRCh38, chr2:239,068,489, plus strand): 5'-ACACAGCGGATCATGGACATGAGCAGAACCGGCTCCTCAGTCATATGCAGAACCACTTAC[A>G]TCTGGCGGAGAGGTTGTAGCCCCCAAGAGGGGTGGGGTGGCCCTCCACGGCATCGAAGCC-3'
Protein context (NP_001365343.1, residues 947-967): PLGGYNLSAR[Cys957Arg]FGYLTKQLMG